The following is an entry in ClinVar:

ClinVar aggregate classification (germline): Uncertain significance (1 of 4 stars; one submission).

Conditions:
Emery-Dreifuss muscular dystrophy 5, autosomal dominant (EDMD5). Also called: EMERY-DREIFUSS MUSCULAR DYSTROPHY 5. Identifiers: Orphanet 261, MedGen C2751805, MONDO:0013072, OMIM 612999.

gnomAD v4.1: 1 of 1,614,024 alleles (0.000062%); highest among the groups gnomAD compares: Non-Finnish European, 0.000085%; no homozygotes.

Submission:

Labcorp Genetics (formerly Invitae), Labcorp
Classification: Uncertain significance for Emery-Dreifuss muscular dystrophy 5, autosomal dominant. Last evaluated: 2025-03-16. Review status: criteria provided, single submitter. Criteria: Invitae Variant Classification Sherloc (09022015). Collection method: clinical testing. Allele origin: germline.
Comment: This sequence change replaces glutamine, which is neutral and polar, with lysine, which is basic and polar, at codon 6374 of the SYNE2 protein (p.Gln6374Lys). This variant is not present in population databases (gnomAD no frequency). This variant has not been reported in the literature in individuals affected with SYNE2-related conditions. An algorithm developed to predict the effect of missense changes on protein structure and function (PolyPhen-2) suggests that this variant is likely to be tolerated. In summary, the available evidence is currently insufficient to determine the role of this variant in disease. Therefore, it has been classified as a Variant of Uncertain Significance.

NM_182914.3(SYNE2):c.19120C>A (p.Gln6374Lys)

Gene: SYNE2 (spectrin repeat containing nuclear envelope protein 2; plus strand). Cytogenetic location: 14q23.2.
Variant type: single nucleotide variant.
Coding change: c.19120C>A on transcript NM_182914.3 (MANE Select); coding-DNA position 19120, C replaced by A.
Protein change: p.Gln6374Lys; replaces glutamine 6374 with lysine.
Molecular consequence: missense variant.
Genome position (GRCh38, 1-based): chr14:64,214,257, C>A. VCF-style: chr14-64214257-C-A. GRCh37 (hg19) VCF-style: chr14-64680975-C-A.
Other names: c.19120C>A, p.Gln6374Lys (NM_015180.6); c.22C>A, p.Gln8Lys (NM_182913.4); short protein forms Q8K, Q6374K.
Identifiers: ClinVar variation 4772033 (VCV004772033.1).